The following is an entry in ClinVar:

NM_007294.4(BRCA1):c.3556C>T (p.Leu1186Phe)

Genes: BRCA1 (BRCA1 DNA repair associated; minus strand), LOC126862571 (BRD4-independent group 4 enhancer GRCh37_chr17:41243136-41244335; plus strand). Cytogenetic location: 17q21.31.
Variant type: single nucleotide variant.
Coding change: c.3556C>T on transcript NM_007294.4 (MANE Select); coding-DNA position 3556, C replaced by T.
Protein change: p.Leu1186Phe; replaces leucine 1186 with phenylalanine.
Molecular consequence: missense variant. On other transcripts: intron variant (135).
Genome position (GRCh38, 1-based): chr17:43,091,975, G>A on the plus strand (C>T on the coding strand, the complement: BRCA1 is on the minus strand). VCF-style: chr17-43091975-G-A. GRCh37 (hg19) VCF-style: chr17-41243992-G-A.
Other names: c.3415C>T, p.Leu1139Phe (NM_001407752.1, NM_001407850.1, NM_001407851.1 and 29 more transcripts); c.3412C>T, p.Leu1138Phe (NM_001407838.1, NM_001407839.1, NM_001407841.1 and 20 more transcripts); c.3343C>T, p.Leu1115Phe (NM_001407853.1, NM_001407894.1, NM_001407895.1 and 9 more transcripts); c.3556C>T, p.Leu1186Phe (NM_001407854.1, NM_001407858.1, NM_001407859.1 and 30 more transcripts); c.3553C>T, p.Leu1185Phe (NM_001407860.1, NM_001407861.1, NM_001407587.1 and 22 more transcripts); c.3355C>T, p.Leu1119Phe (NM_001407862.1); c.3433C>T, p.Leu1145Phe (NM_001407863.1, NM_001407919.1, NM_001407937.1 and 19 more transcripts); c.3352C>T, p.Leu1118Phe (NM_001407874.1, NM_001407875.1); and 41 more; short protein forms L1186F, L1139F, L1097F, L1116F, L1159F, L1138F, L1144F, L1145F.
Identifiers: ClinVar variation 531251 (VCV000531251.21), dbSNP rs1555587505, ClinGen allele CA10594852.

ClinVar aggregate classification (germline): Conflicting classifications of pathogenicity. Review status: criteria provided, conflicting classifications (1 of 4 stars). 8 submissions from 8 submitters: Uncertain significance (6); Likely benign (2). Last evaluated 2026-01-04.

Conditions:
Hereditary breast ovarian cancer syndrome. Also called: Breast and ovarian cancer; Hereditary breast and/or ovarian cancer syndrome; BRCA1- and BRCA2-Associated Hereditary Breast and Ovarian Cancer; Hereditary breast and ovarian cancer syndrome; Hereditary breast and ovarian cancer syndrome (HBOC); Hereditary breast and ovarian cancer. Identifiers: Orphanet 145, MedGen C0677776, MeSH D061325, MONDO:0003582. Disease mechanism: loss of function.
Breast-ovarian cancer, familial, susceptibility to, 1 (BROVCA1). Also called: BRCA1 Hereditary Breast and Ovarian Cancer; OVARIAN CANCER, SUSCEPTIBILITY TO. Identifiers: Orphanet 145, MedGen C2676676, MONDO:0011450, OMIM 604370. Disease mechanism: loss of function.
BRCA1-related disorder. Also called: BRCA1-related condition.
Hereditary cancer-predisposing syndrome. Also called: Tumor predisposition; Hereditary Cancer Syndrome; Hereditary neoplastic syndrome; Neoplastic Syndromes, Hereditary. Identifiers: Orphanet 140162, MedGen C0027672, MeSH D009386, MONDO:0015356.

gnomAD v4.1: 1 of 1,614,106 alleles (0.000062%); highest among the groups gnomAD compares: East Asian, 0.0022%; no homozygotes.

Submissions (8):

Labcorp Genetics (formerly Invitae), Labcorp
Classification: Uncertain significance for Hereditary breast ovarian cancer syndrome. Last evaluated: 2026-01-04. Review status: criteria provided, single submitter. Criteria: Invitae Variant Classification Sherloc (09022015). Collection method: clinical testing. Allele origin: germline.
Comment: This sequence change replaces leucine, which is neutral and non-polar, with phenylalanine, which is neutral and non-polar, at codon 1186 of the BRCA1 protein (p.Leu1186Phe). This variant is not present in population databases (gnomAD no frequency). This variant has not been reported in the literature in individuals affected with BRCA1-related conditions. ClinVar contains an entry for this variant (Variation ID: 531251). Invitae Evidence Modeling of protein sequence and biophysical properties (such as structural, functional, and spatial information, amino acid conservation, physicochemical variation, residue mobility, and thermodynamic stability) indicates that this missense variant is not expected to disrupt BRCA1 protein function with a negative predictive value of 80%. In summary, the available evidence is currently insufficient to determine the role of this variant in disease. Therefore, it has been classified as a Variant of Uncertain Significance.

All of Us Research Program, National Institutes of Health
Classification: Uncertain significance for Breast-ovarian cancer, familial, susceptibility to, 1. Last evaluated: 2023-05-31. Review status: criteria provided, single submitter. Criteria: ACMG Guidelines, 2015. Collection method: clinical testing. Allele origin: germline. Inheritance: Autosomal dominant inheritance. Observed: 1 variant allele, 1 heterozygote.
Comment: This study involves interpretation of variants in research participants for the purpose of population health screening. Participant phenotype was not available at the time of variant classification. Additional details can be found in publication PMID: 35346344, PMCID: PMC8962531

PreventionGenetics, part of Exact Sciences
Classification: Uncertain significance for BRCA1-related condition. Last evaluated: 2023-05-10. Review status: criteria provided, single submitter. Criteria: ACMG Guidelines, 2015. Collection method: clinical testing. Allele origin: germline.
Comment: The BRCA1 c.3556C>T variant is predicted to result in the amino acid substitution p.Leu1186Phe. To our knowledge, this variant has not been reported in the literature or in a large population database, indicating this variant is rare. This variant has conflicting interpretations regarding its pathogenicity in ClinVar, ranging from uncertain significance to likely benign. Of note, this variant occurs within a region of the BRCA1 gene that is predicted to be tolerant to variation (Table 2, Dines et al. 2020. PubMed ID: 31911673). While this variant may be benign, at this time, the clinical significance of this variant is uncertain due to the absence of conclusive functional and genetic evidence.

GeneDx
Classification: Uncertain significance. Last evaluated: 2023-04-12. Review status: criteria provided, single submitter. Criteria: GeneDx Variant Classification Process June 2021. Collection method: clinical testing. Allele origin: germline. Affected: yes.
Comment: Not observed at significant frequency in large population cohorts (gnomAD); In silico analysis supports that this missense variant does not alter protein structure/function; Has not been previously published as pathogenic or benign to our knowledge; Also known as 3675C>T; This variant is associated with the following publications: (PMID: 31911673)

University of Washington Department of Laboratory Medicine, University of Washington
Classification: Likely benign for Hereditary cancer-predisposing syndrome. Last evaluated: 2023-03-23. Review status: criteria provided, single submitter. Criteria: Dines et al. (Genet Med. 2020). Collection method: curation. Allele origin: germline.
Comment: Missense variant in a coldspot region where missense variants are very unlikely to be pathogenic (PMID:31911673).

BRCA1 coldspot (exon 11 using historical exon numbering). Reclassification based on statistical prior probability

Color Diagnostics, LLC DBA Color Health
Classification: Uncertain significance for Hereditary cancer-predisposing syndrome. Last evaluated: 2023-03-07. Review status: criteria provided, single submitter. Criteria: ACMG Guidelines, 2015. Collection method: clinical testing. Allele origin: germline.
Comment: This missense variant replaces leucine with phenylalanine at codon 1186 of the BRCA1 protein. Computational prediction suggests that this variant may not impact protein structure and function (internally defined REVEL score threshold <= 0.5, PMID: 27666373). To our knowledge, functional studies have not been reported for this variant. This variant has not been reported in individuals affected with BRCA1-related disorders in the literature. This variant has not been identified in the general population by the Genome Aggregation Database (gnomAD). The available evidence is insufficient to determine the role of this variant in disease conclusively. Therefore, this variant is classified as a Variant of Uncertain Significance.

Women's Health and Genetics/Laboratory Corporation of America, LabCorp
Classification: Uncertain significance. Last evaluated: 2022-07-01. Review status: criteria provided, single submitter. Criteria: LabCorp Variant Classification Summary - May 2015. Collection method: clinical testing. Allele origin: germline.

Ambry Genetics
Classification: Likely benign for Hereditary cancer-predisposing syndrome. Last evaluated: 2020-10-23. Review status: criteria provided, single submitter. Criteria: Ambry Variant Classification Scheme 2023. Collection method: clinical testing. Allele origin: germline.